The following is an entry in ClinVar:

NM_182700.6(SP8):c.1254C>T (p.Ser418=)

Gene: SP8 (Sp8 transcription factor; minus strand). Cytogenetic location: 7p21.1.
Variant type: single nucleotide variant.
Coding change: c.1254C>T on transcript NM_182700.6 (MANE Select); coding-DNA position 1254, C replaced by T.
Protein change: p.Ser418=; no amino-acid change (serine 418 retained).
Molecular consequence: synonymous variant.
Genome position (GRCh38, 1-based): chr7:20,784,563, G>A on the plus strand (C>T on the coding strand, the complement: SP8 is on the minus strand). VCF-style: chr7-20784563-G-A. GRCh37 (hg19) VCF-style: chr7-20824182-G-A.
Other names: c.1200C>T, p.Ser400= (NM_198956.4).
Identifiers: ClinVar variation 3043995 (VCV003043995.2), dbSNP rs139443849, ClinGen allele CA4177824.

ClinVar aggregate classification (germline): Benign (0 of 4 stars; one submission).

Conditions:
SP8-related disorder. Also called: SP8-related condition.

Allele frequency attached by ClinVar (database versions not stated): ESP Exome Variant Server 0.00015; TOPMed 0.00015; gnomAD 0.00053; gnomAD exomes 0.00078; 1000 Genomes Project 30x 0.00297; 1000 Genomes Project 0.00300; ExAC 0.00426.
gnomAD v4.1: 1,203 of 1,599,460 alleles (0.075%); highest among the groups gnomAD compares: South Asian, 1.1%; 18 homozygotes.

Submission:

PreventionGenetics, part of Exact Sciences
Classification: Benign for SP8-related condition. Last evaluated: 2019-03-20. Review status: no assertion criteria provided. Collection method: clinical testing. Allele origin: germline.
Comment: This variant is classified as benign based on ACMG/AMP sequence variant interpretation guidelines (Richards et al. 2015 PMID: 25741868, with internal and published modifications).